The following is an entry in ClinVar:

ClinVar aggregate classification (germline): Uncertain significance (1 of 4 stars; one submission).

Conditions:
Hereditary intrinsic factor deficiency (IFD). Also called: Congenital intrinsic factor deficiency; PERNICIOUS ANEMIA, CONGENITAL, DUE TO DEFECT OF INTRINSIC FACTOR. Identifiers: Orphanet 332, MedGen C2062370, MONDO:0009852, OMIM 261000.

Allele frequency attached by ClinVar (database versions not stated): gnomAD exomes below 0.00001.

Submission:

Labcorp Genetics (formerly Invitae), Labcorp
Classification: Uncertain significance for Hereditary intrinsic factor deficiency. Last evaluated: 2021-06-28. Review status: criteria provided, single submitter. Criteria: Invitae Variant Classification Sherloc (09022015). Collection method: clinical testing. Allele origin: germline.
Comment: Algorithms developed to predict the effect of missense changes on protein structure and function (SIFT, PolyPhen-2, Align-GVGD) all suggest that this variant is likely to be disruptive. In summary, the available evidence is currently insufficient to determine the role of this variant in disease. Therefore, it has been classified as a Variant of Uncertain Significance. This sequence change replaces methionine with threonine at codon 43 of the GIF protein (p.Met43Thr). The methionine residue is highly conserved and there is a moderate physicochemical difference between methionine and threonine. This variant is not present in population databases (ExAC no frequency). This variant has not been reported in the literature in individuals affected with GIF-related conditions.

NM_005142.3(CBLIF):c.128T>C (p.Met43Thr)

Gene: CBLIF (cobalamin binding intrinsic factor; minus strand). Cytogenetic location: 11q12.1.
Variant type: single nucleotide variant.
Coding change: c.128T>C on transcript NM_005142.3 (MANE Select); coding-DNA position 128, T replaced by C.
Protein change: p.Met43Thr; replaces methionine 43 with threonine.
Molecular consequence: missense variant.
Genome position (GRCh38, 1-based): chr11:59,844,007, A>G on the plus strand (T>C on the coding strand, the complement: CBLIF is on the minus strand). VCF-style: chr11-59844007-A-G. GRCh37 (hg19) VCF-style: chr11-59611480-A-G.
Other names: short protein forms M43T.
Identifiers: ClinVar variation 1957720 (VCV001957720.5), dbSNP rs2495717187, ClinGen allele CA380804810.